The following is an entry in ClinVar:

NM_014889.4(PITRM1):c.1861G>A (p.Val621Ile)

Gene: PITRM1 (pitrilysin metallopeptidase 1; minus strand). Cytogenetic location: 10p15.2.
Variant type: single nucleotide variant.
Coding change: c.1861G>A on transcript NM_014889.4 (MANE Select); coding-DNA position 1861, G replaced by A.
Protein change: p.Val621Ile; replaces valine 621 with isoleucine.
Molecular consequence: missense variant. On other transcripts: non-coding transcript variant (4).
Genome position (GRCh38, 1-based): chr10:3,149,631, C>T on the plus strand (G>A on the coding strand, the complement: PITRM1 is on the minus strand). VCF-style: chr10-3149631-C-T. GRCh37 (hg19) VCF-style: chr10-3191823-C-T.
Other names: c.1861G>A (NM_001242307.1); c.1861G>A, p.Val621Ile (NM_001242307.2, NM_001347725.2); c.1765G>A, p.Val589Ile (NM_001242309.1); c.1246G>A, p.Val416Ile (NM_001347726.2, NM_001347727.2); c.556G>A, p.Val186Ile (NM_001347728.2); c.1837G>A, p.Val613Ile (NM_001347729.1, NM_001347730.1); short protein forms V186I, V416I, V589I, V613I, V621I.
Identifiers: ClinVar variation 1300268 (VCV001300268.12), dbSNP rs2388556, ClinGen allele CA5387660.

ClinVar aggregate classification (germline): Benign. Review status: criteria provided, multiple submitters, no conflicts (2 of 4 stars). 4 submissions from 4 submitters: Benign (3). 1 of the submissions does not count toward it. Last evaluated 2026-02-03.

Conditions:
PITRM1-related disorder. Also called: PITRM1-related condition.

Allele frequency attached by ClinVar (database versions not stated): TOPMed 0.13795; gnomAD exomes 0.14421 and 0.16738; gnomAD 0.14974 and 0.15208; 1000 Genomes Project 0.11562; ExAC 0.14867; 1000 Genomes Project 30x 0.11836; ESP Exome Variant Server 0.15778.
gnomAD v4.1: 258,640 of 1,566,790 alleles (17%); highest among the groups gnomAD compares: Non-Finnish European, 18%; 22,192 homozygotes.

Submissions (4):

Labcorp Genetics (formerly Invitae), Labcorp
Classification: Benign. Last evaluated: 2026-02-03. Review status: criteria provided, single submitter. Criteria: Invitae Variant Classification Sherloc (09022015). Collection method: clinical testing. Allele origin: germline.

GeneDx
Classification: Benign. Last evaluated: 2021-09-28. Review status: criteria provided, single submitter. Criteria: GeneDx Variant Classification Process June 2021. Collection method: clinical testing. Allele origin: germline. Affected: yes.

Breakthrough Genomics
Classification: Benign. Review status: criteria provided, single submitter. Criteria: ACMG Guidelines, 2015. Collection method: not provided. Allele origin: germline. Inheritance: Autosomal recessive inheritance. Affected: yes.

PreventionGenetics, part of Exact Sciences
Classification: Benign for PITRM1-related condition. Last evaluated: 2019-11-19. Review status: no assertion criteria provided. Collection method: clinical testing. Allele origin: germline. Not counted in ClinVar's aggregate classification.
Comment: This variant is classified as benign based on ACMG/AMP sequence variant interpretation guidelines (Richards et al. 2015 PMID: 25741868, with internal and published modifications).